The following is an entry in ClinVar:

ClinVar aggregate classification (germline): Uncertain significance. Review status: criteria provided, multiple submitters, no conflicts (2 of 4 stars). 4 submissions from 4 submitters: Uncertain significance (4). Last evaluated 2025-04-10.

Conditions:
Inborn genetic diseases. Identifiers: MedGen C0950123, MeSH D030342.
Donnai-Barrow syndrome. Also called: DBS/FOAR SYNDROME; FACIOOCULOACOUSTICORENAL SYNDROME. Identifiers: Orphanet 2143, MedGen C1857277, MONDO:0009104, OMIM 222448.

Allele frequency attached by ClinVar (database versions not stated): TOPMed 0.00002; ExAC 0.00003.
gnomAD v4.1: 47 of 1,614,038 alleles (0.0029%); highest among the groups gnomAD compares: Admixed American, 0.0033%; no homozygotes.

Submissions (4):

Ambry Genetics
Classification: Uncertain significance for Inborn genetic diseases. Last evaluated: 2025-04-10. Review status: criteria provided, single submitter. Criteria: Ambry Variant Classification Scheme 2023. Collection method: clinical testing. Allele origin: germline.

Fulgent Genetics
Classification: Uncertain significance for Donnai-Barrow syndrome. Last evaluated: 2024-01-30. Review status: criteria provided, single submitter. Criteria: ACMG Guidelines, 2015. Collection method: clinical testing. Allele origin: germline.

Labcorp Genetics (formerly Invitae), Labcorp
Classification: Uncertain significance. Last evaluated: 2022-06-14. Review status: criteria provided, single submitter. Criteria: Invitae Variant Classification Sherloc (09022015). Collection method: clinical testing. Allele origin: germline.
Comment: This sequence change replaces arginine, which is basic and polar, with cysteine, which is neutral and slightly polar, at codon 2262 of the LRP2 protein (p.Arg2262Cys). This variant is present in population databases (rs751639325, gnomAD 0.004%). This variant has not been reported in the literature in individuals affected with LRP2-related conditions. ClinVar contains an entry for this variant (Variation ID: 332141). Advanced modeling of protein sequence and biophysical properties (such as structural, functional, and spatial information, amino acid conservation, physicochemical variation, residue mobility, and thermodynamic stability) performed at Invitae indicates that this missense variant is not expected to disrupt LRP2 protein function. In summary, the available evidence is currently insufficient to determine the role of this variant in disease. Therefore, it has been classified as a Variant of Uncertain Significance.

Illumina Laboratory Services, Illumina
Classification: Uncertain significance for Donnai-Barrow syndrome. Last evaluated: 2018-01-12. Review status: criteria provided, single submitter. Criteria: ICSL Variant Classification Criteria 13 December 2019. Collection method: clinical testing. Allele origin: germline.

NM_004525.3(LRP2):c.6784C>T (p.Arg2262Cys)

Gene: LRP2 (LDL receptor related protein 2; minus strand). Cytogenetic location: 2q31.1.
Variant type: single nucleotide variant.
Coding change: c.6784C>T on transcript NM_004525.3 (MANE Select); coding-DNA position 6784, C replaced by T.
Protein change: p.Arg2262Cys; replaces arginine 2262 with cysteine.
Molecular consequence: missense variant.
Genome position (GRCh38, 1-based): chr2:169,206,936, G>A on the plus strand (C>T on the coding strand, the complement: LRP2 is on the minus strand). VCF-style: chr2-169206936-G-A. GRCh37 (hg19) VCF-style: chr2-170063446-G-A.
Other names: short protein forms R2262C.
Identifiers: ClinVar variation 332141 (VCV000332141.9), dbSNP rs751639325, ClinGen allele CA1954220.